The following is an entry in ClinVar:

ClinVar aggregate classification (germline): Pathogenic (1 of 4 stars; one submission).

Conditions:
Primary ciliary dyskinesia. Also called: Ciliary dyskinesia. Identifiers: Orphanet 244, MedGen C0008780, MONDO:0016575, HP:0012265.

Submission:

Labcorp Genetics (formerly Invitae), Labcorp
Classification: Pathogenic for Primary ciliary dyskinesia. Last evaluated: 2021-11-28. Review status: criteria provided, single submitter. Criteria: Invitae Variant Classification Sherloc (09022015). Collection method: clinical testing. Allele origin: germline.
Comment: This variant is not present in population databases (gnomAD no frequency). For these reasons, this variant has been classified as Pathogenic. Algorithms developed to predict the effect of sequence changes on RNA splicing suggest that this variant may disrupt the consensus splice site. Disruption of this splice site has been observed in individual(s) with clinical features of primary ciliary dyskinesia (Invitae). This sequence change affects an acceptor splice site in intron 48 of the DNAH11 gene. It is expected to disrupt RNA splicing. Variants that disrupt the donor or acceptor splice site typically lead to a loss of protein function (PMID: 16199547), and loss-of-function variants in DNAH11 are known to be pathogenic (PMID: 18022865, 20513915, 22184204).

Literature cited by the submitters: PubMed 16199547; PubMed 18022865; PubMed 20513915; PubMed 22184204.

NM_001277115.2(DNAH11):c.7915-1G>A

Gene: DNAH11 (dynein axonemal heavy chain 11; plus strand). Cytogenetic location: 7p15.3.
Variant type: single nucleotide variant.
Coding change: c.7915-1G>A on transcript NM_001277115.2 (MANE Select); the canonical splice acceptor site of the intron before coding-DNA position 7915, G replaced by A.
Molecular consequence: splice acceptor variant.
Genome position (GRCh38, 1-based): chr7:21,741,926, G>A. VCF-style: chr7-21741926-G-A. GRCh37 (hg19) VCF-style: chr7-21781544-G-A.
Identifiers: ClinVar variation 2013720 (VCV002013720.4), dbSNP rs2535107151, ClinGen allele CA366951606.
Genomic context (GRCh38, chr7:21,741,926, plus strand): 5'-TCTTTGCAATTTTCTGGTACAATTGTAATCCTTACACTCTTATATTTGCTTTTCTTTTCA[G>A]AGACATTTCACAGTGTTTGCATTCAATTTTCCATCTTTGGATGCACTAAACACCATCTAT-3'